The following is an entry in ClinVar:

NM_206933.4(USH2A):c.15212C>T (p.Pro5071Leu)

Gene: USH2A (usherin; minus strand). Cytogenetic location: 1q41.
Variant type: single nucleotide variant.
Coding change: c.15212C>T on transcript NM_206933.4 (MANE Select); coding-DNA position 15212, C replaced by T.
Protein change: p.Pro5071Leu; replaces proline 5071 with leucine.
Molecular consequence: missense variant.
Genome position (GRCh38, 1-based): chr1:215,634,544, G>A on the plus strand (C>T on the coding strand, the complement: USH2A is on the minus strand). VCF-style: chr1-215634544-G-A. GRCh37 (hg19) VCF-style: chr1-215807886-G-A.
Other names: short protein forms P5071L.
Identifiers: ClinVar variation 1013708 (VCV001013708.2), dbSNP rs556353178, ClinGen allele CA37374094.

ClinVar aggregate classification (germline): Uncertain significance (1 of 4 stars; one submission).

Allele frequency attached by ClinVar (database versions not stated): gnomAD exomes below 0.00001; gnomAD 0.00001; 1000 Genomes Project 30x 0.00016; 1000 Genomes Project 0.00020.
gnomAD v4.1: 1 of 1,614,148 alleles (0.000062%); highest among the groups gnomAD compares: East Asian, 0.0022%; no homozygotes.

Submission:

Labcorp Genetics (formerly Invitae), Labcorp
Classification: Uncertain significance. Last evaluated: 2021-09-01. Review status: criteria provided, single submitter. Criteria: Invitae Variant Classification Sherloc (09022015). Collection method: clinical testing. Allele origin: germline.
Comment: This sequence change replaces proline with leucine at codon 5071 of the USH2A protein (p.Pro5071Leu). The proline residue is highly conserved and there is a moderate physicochemical difference between proline and leucine. This variant is not present in population databases (ExAC no frequency). This variant has not been reported in the literature in individuals affected with USH2A-related conditions. Algorithms developed to predict the effect of missense changes on protein structure and function are either unavailable or do not agree on the potential impact of this missense change (SIFT: "Deleterious"; PolyPhen-2: "Probably Damaging"; Align-GVGD: "Class C0"). In summary, the available evidence is currently insufficient to determine the role of this variant in disease. Therefore, it has been classified as a Variant of Uncertain Significance.